The following is an entry in ClinVar:

ClinVar aggregate classification (germline): Benign/Likely benign. Review status: criteria provided, multiple submitters, no conflicts (2 of 4 stars). 10 submissions from 10 submitters: Benign (2); Likely benign (4). 4 of the submissions do not count toward it. Last evaluated 2026-02-02.

Conditions:
Baller-Gerold syndrome (BGS). Also called: CRANIOSYNOSTOSIS WITH RADIAL DEFECTS. Identifiers: Orphanet 1225, MedGen C0265308, MONDO:0009039, OMIM 218600.
Rapadilino syndrome. Identifiers: Orphanet 3021, MedGen C1849453, MONDO:0009955, OMIM 266280.

Allele frequency attached by ClinVar (database versions not stated): gnomAD exomes 0.00116; ExAC 0.00149; gnomAD 0.00405 and 0.00427; ESP Exome Variant Server 0.00416; TOPMed 0.00436; 1000 Genomes Project 0.00539; 1000 Genomes Project 30x 0.00640.
gnomAD v4.1: 1,288 of 1,611,570 alleles (0.08%); highest among the groups gnomAD compares: African/African-American, 1.4%; 5 homozygotes.

Submissions (10):

Labcorp Genetics (formerly Invitae), Labcorp
Classification: Benign for Baller-Gerold syndrome. Last evaluated: 2026-02-02. Review status: criteria provided, single submitter. Criteria: Invitae Variant Classification Sherloc (09022015). Collection method: clinical testing. Allele origin: germline.

CeGaT Center for Human Genetics Tuebingen
Classification: Likely benign. Last evaluated: 2025-11-01. Review status: criteria provided, single submitter. Criteria: CeGaT Center For Human Genetics Tuebingen Variant Classification Criteria Version 2. Collection method: clinical testing. Allele origin: germline. Affected: yes. Observed: 1 variant allele.
Comment: RECQL4: BP4, BS1

KCCC/NGS Laboratory, Kuwait Cancer Control Center
Classification: Benign for Rapadilino syndrome. Last evaluated: 2025-02-01. Review status: criteria provided, single submitter. Criteria: ACMG Guidelines, 2015. Collection method: clinical testing. Allele origin: germline. Affected: no.

Blueprint Genetics
Classification: Likely benign. Last evaluated: 2024-11-19. Review status: criteria provided, single submitter. Criteria: ACMG Guidelines, 2015. Collection method: clinical testing. Allele origin: germline.

GeneDx
Classification: Likely benign. Last evaluated: 2020-07-29. Review status: criteria provided, single submitter. Criteria: GeneDx Variant Classification Process June 2021. Collection method: clinical testing. Allele origin: germline. Affected: yes.

Breakthrough Genomics
Classification: Likely benign. Review status: criteria provided, single submitter. Criteria: ACMG Guidelines, 2015. Collection method: not provided. Allele origin: germline. Inheritance: Autosomal recessive inheritance. Affected: yes.

Genetic Services Laboratory, University of Chicago
Classification: Benign. Last evaluated: 2022-08-29. Review status: no assertion criteria provided. Collection method: clinical testing. Allele origin: germline. Affected: no. Not counted in ClinVar's aggregate classification.

ITMI
No classification provided. Condition: AllHighlyPenetrant. Last evaluated: 2013-09-19. Review status: no classification provided. Collection method: reference population. Allele origin: germline. Not counted in ClinVar's aggregate classification.
Comment: Please see associated publication for description of ethnicities

Genome Diagnostics Laboratory, Amsterdam University Medical Center
Classification: Benign. Review status: no assertion criteria provided. Collection method: clinical testing. Allele origin: germline. Affected: yes. Study: VKGL Data-share Consensus. Not counted in ClinVar's aggregate classification.

Laboratory of Diagnostic Genome Analysis, Leiden University Medical Center (LUMC)
Classification: Likely benign. Review status: no assertion criteria provided. Collection method: clinical testing. Allele origin: germline. Affected: yes. Study: VKGL Data-share Consensus. Not counted in ClinVar's aggregate classification.

Literature cited by the submitters: PubMed 24728327 (cited by ITMI).

NM_004260.4(RECQL4):c.1090G>A (p.Val364Met)

Gene: RECQL4 (RecQ like helicase 4; minus strand). Cytogenetic location: 8q24.3.
Variant type: single nucleotide variant.
Coding change: c.1090G>A on transcript NM_004260.4 (MANE Select); coding-DNA position 1090, G replaced by A.
Protein change: p.Val364Met; replaces valine 364 with methionine.
Molecular consequence: missense variant.
Genome position (GRCh38, 1-based): chr8:144,516,029, C>T on the plus strand (G>A on the coding strand, the complement: RECQL4 is on the minus strand). VCF-style: chr8-144516029-C-T. GRCh37 (hg19) VCF-style: chr8-145741413-C-T.
Other names: short protein forms V364M.
Identifiers: ClinVar variation 135166 (VCV000135166.25), dbSNP rs144637135, ClinGen allele CA161888.